The following is an entry in ClinVar:

NM_177986.5(DSG4):c.386_400del (p.Ala129_Arg133del)

Genes: DSG1-AS1 (DSG1 antisense RNA 1; minus strand), DSG4 (desmoglein 4; plus strand). Cytogenetic location: 18q12.1.
Variant type: Deletion.
Coding change: c.386_400del on transcript NM_177986.5 (MANE Select); coding-DNA positions 386 to 400, 15 bases deleted (CTCTGAATTCACGGG).
Protein change: p.Ala129_Arg133del.
Molecular consequence: inframe deletion.
Genome position (GRCh38, 1-based): chr18:31,388,887-31,388,901, CTCTGAATTCACGGG deleted; deleting any 15 consecutive bases within chr18:31,388,883-31,388,901 gives the same sequence; the c. name uses the placement nearest the transcript's 3' end. VCF-style (leftmost placement, unchanged base first): chr18-31388882-CCGGGCTCTGAATTCA-C. GRCh37 (hg19) VCF-style: chr18-28968845-CCGGGCTCTGAATTCA-C.
Other names: c.386_400del, p.Ala129_Arg133del (NM_001134453.3).
Identifiers: ClinVar variation 3242087 (VCV003242087.1), dbSNP rs758659944.

ClinVar aggregate classification (germline): Uncertain significance (1 of 4 stars; one submission).

Conditions:
Hypotrichosis 6 (HYPT6). Also called: HYPOTRICHOSIS, LOCALIZED, AUTOSOMAL RECESSIVE 1; MONILETHRIX-LIKE HYPOTRICHOSIS. Identifiers: Orphanet 55654, MedGen C1842839, MONDO:0011932, OMIM 607903.

Submission:

Neuberg Centre For Genomic Medicine, NCGM
Classification: Uncertain significance for Hypotrichosis 6. Review status: criteria provided, single submitter. Criteria: ACMG Guidelines, 2015. Collection method: clinical testing. Allele origin: germline. Inheritance: Autosomal recessive inheritance. Affected: yes.
Comment: The observed inframe deletion c.386_400del(p.Ala129_Arg133del) variant in DSG4 gene has not been reported previously as a pathogenic variant nor a benign variant, to our knowledge. The p.Ala129_Arg133del variant has been reported with allele frequency of 0.002% in gnomAD Exomes. This variant has not been reported to the ClinVar database. This p.Ala129_Arg133del causes deletion of amino acid Alanine at position 129 to Arginine at position 133. For these reasons, this variant has been classified as a Variant of Uncertain Significance (VUS).